The following is an entry in ClinVar:

ClinVar aggregate classification (germline): Pathogenic. Review status: criteria provided, multiple submitters, no conflicts (2 of 4 stars). 14 submissions from 14 submitters: Pathogenic (11). 3 of the submissions do not count toward it. Last evaluated 2026-02-11.

Conditions:
CEP290-related disorder. Also called: CEP290-related condition; CEP290-related disorders. Identifiers: MedGen CN239314.
Nephronophthisis. Also called: Juvenile Nephronophthisis. Identifiers: Orphanet 655, MedGen C0687120, MONDO:0019005, HP:0000090.
Meckel-Gruber syndrome. Also called: Dysencephalia splachnocystica; DYSENCEPHALIA SPLANCHNOCYSTICA; GRUBER SYNDROME. Identifiers: Orphanet 564, MedGen C0265215, MONDO:0018921.
Joubert syndrome. Also called: JOUBERT-BOLTSHAUSER SYNDROME; Familial aplasia of the vermis. Identifiers: Orphanet 475, MedGen C5979921, MONDO:0018772.
Joubert syndrome 5 (JBTS5). Identifiers: Orphanet 2318, MedGen C1857780, MONDO:0012432, OMIM 610188.
Bardet-Biedl syndrome 14 (BBS14). Identifiers: Orphanet 110, MedGen C2673874, MONDO:0014442, OMIM 615991.
Meckel syndrome, type 4 (MKS4). Also called: MECKEL-GRUBER SYNDROME, TYPE 4. Identifiers: Orphanet 564, MedGen C1970161, MONDO:0012626, OMIM 611134.
Senior-Loken syndrome 6 (SLSN6). Identifiers: Orphanet 3156, MedGen C1857779, MONDO:0012433, OMIM 610189.
Leber congenital amaurosis 10 (LCA10). Identifiers: Orphanet 65, MedGen C1857821, MONDO:0012723, OMIM 611755.
Leber congenital amaurosis (LCA). Also called: Leber's amaurosis. Identifiers: Orphanet 65, MedGen C0339527, MeSH D057130, MONDO:0018998.
Retinitis pigmentosa (RP). Identifiers: Orphanet 791, MedGen C0035334, MeSH D012174, MONDO:0019200, OMIM 268000. Inheritance: Autosomal dominant, autosomal recessive and X linked inheritance.

Submissions (14):

GeneDx
Classification: Pathogenic. Last evaluated: 2026-02-11. Review status: criteria provided, single submitter. Criteria: GeneDx Variant Classification Process June 2021. Collection method: clinical testing. Allele origin: germline. Affected: yes.
Comment: Frameshift variant predicted to result in protein truncation or nonsense mediated decay in a gene for which loss of function is a known mechanism of disease; Not observed at significant frequency in large population cohorts (gnomAD); This variant is associated with the following publications: (PMID: 28041643, 21245082, 20690115, 17345604, 28127548, 28660274, 31964843, 16909394, 29343940, 29844330)

PreventionGenetics, part of Exact Sciences
Classification: Pathogenic for CEP290-related condition. Last evaluated: 2025-12-23. Review status: criteria provided, single submitter. Criteria: ACMG Guidelines, 2015. Collection method: clinical testing. Allele origin: germline.
Comment: The CEP290 c.2390delA variant is predicted to result in a frameshift and premature protein termination (p.Lys797Serfs*2). This variant has been reported in homozygous and compound heterozygous states in patients with Leber congenital amaurosis (LCA) and other retinal degeneration disorders (Bryant et al. 2018. PubMed ID: 29343940; Hosono et al. 2018. PubMed ID: 29844330). This variant is reported in 0.013% of alleles in individuals of African descent in gnomAD. Frameshift variants in CEP290 are expected to be pathogenic. This variant is interpreted as pathogenic.

Natera, Inc.
Classification: Pathogenic for Leber congenital amaurosis. Last evaluated: 2025-12-03. Review status: criteria provided, single submitter. Criteria: Natera Variant Classification Schema (03/2026). Collection method: clinical testing. Allele origin: germline.
Comment: The c.2390delA variant in CEP290 is a frameshift variant predicted to shift the reading frame beginning at codon 797 and leads to a stop codon 2 codons downstream. This variant is expected to result in nonsense mediated decay, truncation, or a dysfunctional protein product. This variant is rare in the general population with a frequency below the threshold expected for the associated phenotype(s). This variant has been observed in one or more individuals affected with the associated recessive disease, as either homozygous or compound heterozygous with a second variant (PMID: 29844330). Given the available evidence, this variant is classified as Pathogenic.

Labcorp Genetics (formerly Invitae), Labcorp
Classification: Pathogenic for Joubert syndrome; Meckel-Gruber syndrome; Nephronophthisis. Last evaluated: 2025-10-27. Review status: criteria provided, single submitter. Criteria: Invitae Variant Classification Sherloc (09022015). Collection method: clinical testing. Allele origin: germline.
Comment: This sequence change creates a premature translational stop signal (p.Lys797Serfs*2) in the CEP290 gene. It is expected to result in an absent or disrupted protein product. Loss-of-function variants in CEP290 are known to be pathogenic (PMID: 16909394, 17345604, 20690115). This variant is present in population databases (rs781670422, gnomAD 0.01%). This premature translational stop signal has been observed in individual(s) with CEP290-related conditions (PMID: 29343940, 29844330). ClinVar contains an entry for this variant (Variation ID: 438223). Algorithms developed to predict the effect of sequence changes on RNA splicing suggest that this variant may disrupt the consensus splice site. For these reasons, this variant has been classified as Pathogenic.

Genomic Medicine Center of Excellence, King Faisal Specialist Hospital and Research Centre
Classification: Pathogenic for Leber congenital amaurosis 10. Last evaluated: 2025-09-10. Review status: criteria provided, single submitter. Criteria: ACMG Guidelines, 2015. Collection method: clinical testing. Allele origin: germline.

Baylor Genetics
Classification: Pathogenic for Bardet-Biedl syndrome 14. Last evaluated: 2024-03-20. Review status: criteria provided, single submitter. Criteria: ACMG Guidelines, 2015. Collection method: clinical testing. Allele origin: unknown.

Fulgent Genetics
Classification: Pathogenic for Joubert syndrome 5; Senior-Loken syndrome 6; Meckel syndrome, type 4; Leber congenital amaurosis 10; Bardet-Biedl syndrome 14. Last evaluated: 2024-02-27. Review status: criteria provided, single submitter. Criteria: ACMG Guidelines, 2015. Collection method: clinical testing. Allele origin: germline.

Laboratory for Molecular Medicine, Mass General Brigham Personalized Medicine
Classification: Pathogenic for Leber congenital amaurosis. Last evaluated: 2024-01-29. Review status: criteria provided, single submitter. Criteria: ACMG Guidelines, 2015. Collection method: clinical testing. Allele origin: germline. Inheritance: Autosomal recessive inheritance.
Comment: The p.Lys797SerfsX2 variant in CEP290 has been reported in at least 2 individuals with Leber congenital amaurosis: in 1 homozygote and 1 compound heterozygote with another disease-causing variant in CEP290 (Bryant 2018 PMID: 29343940, Hosono 2018 PMID: 29844330). This variant has been reported by other clinical laboratories in ClinVar (Variation ID 438223) and has been identified in 0.01% (4/41328) of African/African American chromosomes by gnomAD (v3.1.2). This is consistent with the prevalence of the disease in the general population. This variant is predicted to cause a frameshift, which alters the protein’s amino acid sequence beginning at position 797 and leads to a premature termination codon 2 amino acids downstream. This alteration is then predicted to lead to a truncated or absent protein. Biallelic loss of function of the CEP290 gene is an established disease mechanism in autosomal recessive CEP290-related ciliopathy. In summary, this variant meets criteria to be classified as pathogenic for autosomal recessive CEP290-related ciliopathy. ACMG/AMP Criteria applied: PVS1, PM3, PM2_Supporting.

Genome-Nilou Lab
Classification: Pathogenic for Joubert syndrome 5. Last evaluated: 2021-06-10. Review status: criteria provided, single submitter. Criteria: ACMG Guidelines, 2015. Collection method: clinical testing. Allele origin: germline. Affected: no.

Pars Genome Lab
Classification: Pathogenic for Joubert syndrome 5. Last evaluated: 2021-05-18. Review status: criteria provided, single submitter. Criteria: ACMG Guidelines, 2015. Collection method: clinical testing. Allele origin: germline. Affected: no.

Neuberg Centre For Genomic Medicine, NCGM
Classification: Pathogenic for Joubert syndrome 5. Review status: criteria provided, single submitter. Criteria: ACMG Guidelines, 2015. Collection method: clinical testing. Allele origin: germline. Inheritance: Autosomal recessive inheritance. Affected: yes.
Comment: The frameshift variant c.2390del (p.Lys797SerfsTer2) in CEP290 gene has been observed in several individuals affected with CEP290-related conditions(Bryant L et.al.,2017). This variant has been reported to the ClinVar database as Pathogenic. The p.Lys797SerfsTer2 variant is novel (not in any individuals) in 1000 Genomes and allele frequency of 0.004931% is reported in gnomAD. This variant causes a frameshift starting with codon Lysine 797, changes this amino acid to Serine residue, and creates a premature Stop codon at position 2 of the new reading frame, denoted p.Lys797SerfsTer2. This variant is predicted to cause loss of normal protein function. Loss of function variants have been previously reported to be disease causing. For these reasons, this variant has been classified as Pathogenic.

NIHR Bioresource Rare Diseases, University of Cambridge
Classification: Uncertain significance for Retinitis pigmentosa. Last evaluated: 2015-01-01. Review status: no assertion criteria provided. Collection method: research. Allele origin: unknown. Affected: yes. Observed: 1 variant allele. Not counted in ClinVar's aggregate classification.

Clinical Genetics DNA and cytogenetics Diagnostics Lab, Erasmus MC, Erasmus Medical Center
Classification: Likely pathogenic. Review status: no assertion criteria provided. Collection method: clinical testing. Allele origin: germline. Affected: yes. Study: VKGL Data-share Consensus. Not counted in ClinVar's aggregate classification.

Joint Genome Diagnostic Labs from Nijmegen and Maastricht, Radboudumc and MUMC+
Classification: Pathogenic. Review status: no assertion criteria provided. Collection method: clinical testing. Allele origin: germline. Affected: yes. Study: VKGL Data-share Consensus. Not counted in ClinVar's aggregate classification.

Literature cited by the submitters: PubMed 29844330 (cited by 3 submitters); PubMed 16909394 (cited by Labcorp Genetics (formerly Invitae), Labcorp); PubMed 17345604 (cited by Labcorp Genetics (formerly Invitae), Labcorp); PubMed 20690115 (cited by Labcorp Genetics (formerly Invitae), Labcorp); PubMed 29343940 (cited by Labcorp Genetics (formerly Invitae), Labcorp and Laboratory for Molecular Medicine, Mass General Brigham Personalized Medicine); PubMed 28041643 (cited by NIHR Bioresource Rare Diseases, University of Cambridge).

NM_025114.4(CEP290):c.2390del (p.Lys797fs)

Gene: CEP290 (centrosomal protein 290; minus strand). Cytogenetic location: 12q21.32.
Variant type: Deletion.
Coding change: c.2390del on transcript NM_025114.4 (MANE Select); coding-DNA position 2390, one base deleted (A; older notation c.2390delA).
Protein change: p.Lys797fs; shifts the reading frame from lysine 797.
Molecular consequence: frameshift variant.
Genome position (GRCh38, 1-based): chr12:88,109,159, T deleted on the plus strand (A on the coding strand, the reverse complement: CEP290 is on the minus strand); the first of 7 consecutive T bases (chr12:88,109,159-88,109,165); deleting any one gives the same sequence. VCF-style (leftmost placement, unchanged base first): chr12-88109158-CT-C. GRCh37 (hg19) VCF-style: chr12-88502935-CT-C.
Other names: c.2390delA (NM_025114.3); short protein forms K797fs.
Identifiers: ClinVar variation 438223 (VCV000438223.33), dbSNP rs781670422, ClinGen allele CA6712338.